The following is an entry in ClinVar:

NM_001903.5(CTNNA1):c.1546+4A>G

Gene: CTNNA1 (catenin alpha 1; plus strand). Cytogenetic location: 5q31.2.
Variant type: single nucleotide variant.
Coding change: c.1546+4A>G on transcript NM_001903.5 (MANE Select); 4 bases into the intron after coding-DNA position 1546, A replaced by G.
Molecular consequence: intron variant.
Genome position (GRCh38, 1-based): chr5:138,917,902, A>G. VCF-style: chr5-138917902-A-G. GRCh37 (hg19) VCF-style: chr5-138253591-A-G.
Other names: c.1546+4A>G (NM_001323982.2, NM_001323984.2, NM_001290307.3 and 3 more transcripts); c.1453+4A>G (NM_001323986.2); c.1177+4A>G (NM_001290310.3); c.1237+4A>G (NM_001290309.3); c.436+4A>G (NM_001323996.1, NM_001323993.1, NM_001324005.1 and 17 more transcripts); c.97+4A>G (NM_001324007.1, NM_001324009.1, NM_001324006.1 and 2 more transcripts); c.193+4A>G (NM_001324013.1, NM_001324012.1); c.343+4A>G (NM_001324011.1).
Identifiers: ClinVar variation 649762 (VCV000649762.8), dbSNP rs1580800562, ClinGen allele CA915942571.

ClinVar aggregate classification (germline): Uncertain significance. Review status: criteria provided, multiple submitters, no conflicts (2 of 4 stars). 3 submissions from 3 submitters: Uncertain significance (3). Last evaluated 2025-03-01.

Conditions:
Hereditary cancer-predisposing syndrome. Also called: Neoplastic Syndromes, Hereditary; Tumor predisposition; Hereditary Cancer Syndrome; Hereditary neoplastic syndrome. Identifiers: Orphanet 140162, MedGen C0027672, MeSH D009386, MONDO:0015356.

Allele frequency attached by ClinVar (database versions not stated): gnomAD exomes 0.00001.
gnomAD v4.1: 9 of 1,613,616 alleles (0.00056%); highest among the groups gnomAD compares: Non-Finnish European, 0.00076%; no homozygotes.

Submissions (3):

Ambry Genetics
Classification: Uncertain significance for Hereditary cancer-predisposing syndrome. Last evaluated: 2025-03-01. Review status: criteria provided, single submitter. Criteria: Ambry Variant Classification Scheme 2023. Collection method: clinical testing. Allele origin: germline.
Comment: The c.1546+4A>G intronic variant results from an A to G substitution 4 nucleotides after coding exon 10 in the CTNNA1 gene. This nucleotide position is highly conserved in available vertebrate species. In silico splice site analysis predicts that this alteration may result in the creation or strengthening of a novel splice donor site. The evidence for this gene-disease relationship is limited; therefore, the clinical significance of this alteration is unclear.

GeneDx
Classification: Uncertain significance. Last evaluated: 2024-11-14. Review status: criteria provided, single submitter. Criteria: GeneDx Variant Classification Process June 2021. Collection method: clinical testing. Allele origin: germline. Affected: yes.
Comment: Not observed at significant frequency in large population cohorts (gnomAD); Has not been previously published as pathogenic or benign to our knowledge; In silico analysis suggests this variant may impact gene splicing. In the absence of RNA/functional studies, the actual effect of this sequence change is unknown.

Labcorp Genetics (formerly Invitae), Labcorp
Classification: Uncertain significance. Last evaluated: 2024-04-30. Review status: criteria provided, single submitter. Criteria: Invitae Variant Classification Sherloc (09022015). Collection method: clinical testing. Allele origin: germline.
Comment: This sequence change falls in intron 11 of the CTNNA1 gene. It does not directly change the encoded amino acid sequence of the CTNNA1 protein. It affects a nucleotide within the consensus splice site. This variant is not present in population databases (gnomAD no frequency). This variant has not been reported in the literature in individuals affected with CTNNA1-related conditions. ClinVar contains an entry for this variant (Variation ID: 649762). Variants that disrupt the consensus splice site are a relatively common cause of aberrant splicing (PMID: 17576681, 9536098). Algorithms developed to predict the effect of sequence changes on RNA splicing suggest that this variant may disrupt the consensus splice site. In summary, the available evidence is currently insufficient to determine the role of this variant in disease. Therefore, it has been classified as a Variant of Uncertain Significance.

Literature cited by the submitters: PubMed 17576681 (cited by Labcorp Genetics (formerly Invitae), Labcorp); PubMed 9536098 (cited by Labcorp Genetics (formerly Invitae), Labcorp).